The following is an entry in ClinVar:

ClinVar aggregate classification (germline): Uncertain significance (1 of 4 stars; one submission).

Submission:

Labcorp Genetics (formerly Invitae), Labcorp
Classification: Uncertain significance. Last evaluated: 2025-03-09. Review status: criteria provided, single submitter. Criteria: Invitae Variant Classification Sherloc (09022015). Collection method: clinical testing. Allele origin: germline.
Comment: This sequence change replaces aspartic acid, which is acidic and polar, with alanine, which is neutral and non-polar, at codon 489 of the BCL11B protein (p.Asp489Ala). This variant is not present in population databases (gnomAD no frequency). This variant has not been reported in the literature in individuals affected with BCL11B-related conditions. Invitae Evidence Modeling of protein sequence and biophysical properties (such as structural, functional, and spatial information, amino acid conservation, physicochemical variation, residue mobility, and thermodynamic stability) indicates that this missense variant is not expected to disrupt BCL11B protein function with a negative predictive value of 95%. In summary, the available evidence is currently insufficient to determine the role of this variant in disease. Therefore, it has been classified as a Variant of Uncertain Significance.

NM_138576.4(BCL11B):c.1466A>C (p.Asp489Ala)

Gene: BCL11B (BCL11 transcription factor B; minus strand). Cytogenetic location: 14q32.2.
Variant type: single nucleotide variant.
Coding change: c.1466A>C on transcript NM_138576.4 (MANE Select); coding-DNA position 1466, A replaced by C.
Protein change: p.Asp489Ala; replaces aspartic acid 489 with alanine.
Molecular consequence: missense variant.
Genome position (GRCh38, 1-based): chr14:99,175,370, T>G on the plus strand (A>C on the coding strand, the complement: BCL11B is on the minus strand). VCF-style: chr14-99175370-T-G. GRCh37 (hg19) VCF-style: chr14-99641707-T-G.
Other names: c.1463A>C, p.Asp488Ala (NM_001282237.2); c.1250A>C, p.Asp417Ala (NM_001282238.2); c.1253A>C, p.Asp418Ala (NM_022898.3); short protein forms D489A, D417A, D418A, D488A.
Identifiers: ClinVar variation 4772530 (VCV004772530.1).